The following is an entry in ClinVar:

NM_213720.3(CHCHD10):c.146C>T (p.Ala49Val)

Gene: CHCHD10 (coiled-coil-helix-coiled-coil-helix domain containing 10; minus strand). Cytogenetic location: 22q11.23.
Variant type: single nucleotide variant.
Coding change: c.146C>T on transcript NM_213720.3 (MANE Select); coding-DNA position 146, C replaced by T.
Protein change: p.Ala49Val; replaces alanine 49 with valine.
Molecular consequence: missense variant. On other transcripts: non-coding transcript variant (1).
Genome position (GRCh38, 1-based): chr22:23,767,489, G>A on the plus strand (C>T on the coding strand, the complement: CHCHD10 is on the minus strand). VCF-style: chr22-23767489-G-A. GRCh37 (hg19) VCF-style: chr22-24109676-G-A.
Other names: c.146C>T, p.Ala49Val (NM_001301339.2); short protein forms A49V.
Identifiers: ClinVar variation 2504323 (VCV002504323.4), dbSNP rs888466594, ClinGen allele CA322573944.

ClinVar aggregate classification (germline): Uncertain significance. Review status: criteria provided, multiple submitters, no conflicts (2 of 4 stars). 2 submissions from 2 submitters: Uncertain significance (2). Last evaluated 2025-08-04.

Conditions:
Lower motor neuron syndrome with late-adult onset (SMAJ). Also called: Spinal muscular atrophy, Jokela type; Late-Onset Spinal Motor Neuronopathy (SMAJ). Identifiers: Orphanet 276435, MedGen C3554398, MONDO:0014025, OMIM 615048.
Frontotemporal dementia and/or amyotrophic lateral sclerosis 2. Also called: FTDALS2. Identifiers: Orphanet 275872, MedGen C4014648, MONDO:0014395, OMIM 615911.
Autosomal dominant mitochondrial myopathy with exercise intolerance (IMMD). Also called: Myopathy, isolated mitochondrial, autosomal dominant. Identifiers: Orphanet 457050, MedGen C4015513, MONDO:0014532, OMIM 616209.

Submissions (2):

Labcorp Genetics (formerly Invitae), Labcorp
Classification: Uncertain significance for Lower motor neuron syndrome with late-adult onset; Frontotemporal dementia and/or amyotrophic lateral sclerosis 2; Autosomal dominant mitochondrial myopathy with exercise intolerance. Last evaluated: 2025-08-04. Review status: criteria provided, single submitter. Criteria: Invitae Variant Classification Sherloc (09022015). Collection method: clinical testing. Allele origin: germline.
Comment: This sequence change replaces alanine, which is neutral and non-polar, with valine, which is neutral and non-polar, at codon 49 of the CHCHD10 protein (p.Ala49Val). This variant is not present in population databases (gnomAD no frequency). This variant has not been reported in the literature in individuals affected with CHCHD10-related conditions. ClinVar contains an entry for this variant (Variation ID: 2504323). An algorithm developed to predict the effect of missense changes on protein structure and function (PolyPhen-2) suggests that this variant is likely to be disruptive. In summary, the available evidence is currently insufficient to determine the role of this variant in disease. Therefore, it has been classified as a Variant of Uncertain Significance.

GeneDx
Classification: Uncertain significance. Last evaluated: 2022-12-01. Review status: criteria provided, single submitter. Criteria: GeneDx Variant Classification Process June 2021. Collection method: clinical testing. Allele origin: germline. Affected: yes.
Comment: Not observed at significant frequency in large population cohorts (gnomAD); In silico analysis supports that this missense variant has a deleterious effect on protein structure/function; Has not been previously published as pathogenic or benign to our knowledge